The following is an entry in ClinVar:

NM_001083961.2(WDR62):c.1386C>T (p.Val462=)

Gene: WDR62 (WD repeat domain 62; plus strand). Cytogenetic location: 19q13.12.
Variant type: single nucleotide variant.
Coding change: c.1386C>T on transcript NM_001083961.2 (MANE Select); coding-DNA position 1386, C replaced by T.
Protein change: p.Val462=; no amino-acid change (valine 462 retained).
Molecular consequence: synonymous variant.
Genome position (GRCh38, 1-based): chr19:36,083,077, C>T. VCF-style: chr19-36083077-C-T. GRCh37 (hg19) VCF-style: chr19-36573979-C-T.
Other names: c.1371C>T, p.Val457= (NM_001411145.1); c.1386C>T, p.Val462= (NM_001411146.1, NM_173636.5); c.1035C>T, p.Val345= (NM_001411147.1).
Identifiers: ClinVar variation 4991730 (VCV004991730.1).

ClinVar aggregate classification (germline): Likely benign (1 of 4 stars; one submission).

Conditions:
WDR62-related disorder. Also called: WDR62-related condition.

gnomAD v4.1: 5 of 1,612,318 alleles (0.00031%); highest among the groups gnomAD compares: African/African-American, 0.0027%; no homozygotes.

Submission:

PreventionGenetics, part of Exact Sciences
Classification: Likely benign for WDR62-related condition. Last evaluated: 2026-06-30. Review status: criteria provided, single submitter. Criteria: ACMG Guidelines, 2015. Collection method: clinical testing. Allele origin: germline.
Comment: This variant is classified as likely benign based on ACMG/AMP sequence variant interpretation guidelines (Richards et al. 2015 PMID: 25741868, with internal and published modifications).